The following is an entry in ClinVar:

NM_001999.4(FBN2):c.584G>T (p.Arg195Leu)

Gene: FBN2 (fibrillin 2; minus strand). Cytogenetic location: 5q23.3.
Variant type: single nucleotide variant.
Coding change: c.584G>T on transcript NM_001999.4 (MANE Select); coding-DNA position 584, G replaced by T.
Protein change: p.Arg195Leu; replaces arginine 195 with leucine.
Molecular consequence: missense variant.
Genome position (GRCh38, 1-based): chr5:128,519,317, C>A on the plus strand (G>T on the coding strand, the complement: FBN2 is on the minus strand). VCF-style: chr5-128519317-C-A. GRCh37 (hg19) VCF-style: chr5-127855010-C-A.
Other names: short protein forms R195L.
Identifiers: ClinVar variation 5021620 (VCV005021620.1).
Genomic context (GRCh38, chr5:128,519,317, plus strand): 5'-TCATTTCTCTTCTTACCTCTTTCACACTGTGGACCAGTGAACCCATAAACACAAGCACAG[C>A]GGTTGGGTCCGATGCAACGTCCACCATTCTGACATCCATTTTCACAGACAGCTGCATACA-3'
Protein context (NP_001990.2, residues 185-205): QNGGRCIGPN[Arg195Leu]CACVYGFTGP

ClinVar aggregate classification (germline): Uncertain significance (1 of 4 stars; one submission).

Conditions:
Familial thoracic aortic aneurysm and aortic dissection (TAAD). Also called: Thoracic aortic aneurysms and dissections. Identifiers: Orphanet 91387, MedGen C4707243, MONDO:0019625.

gnomAD v4.1: 4 of 1,613,780 alleles (0.00025%); highest among the groups gnomAD compares: African/African-American, 0.0013%; no homozygotes.

Submission:

Ambry Genetics
Classification: Uncertain significance for Familial thoracic aortic aneurysm and aortic dissection. Last evaluated: 2026-06-22. Review status: criteria provided, single submitter. Criteria: Ambry Variant Classification Scheme 2023. Collection method: clinical testing. Allele origin: germline.
Comment: The p.R195L variant (also known as c.584G>T), located in coding exon 5 of the FBN2 gene, results from a G to T substitution at nucleotide position 584. The arginine at codon 195 is replaced by leucine, an amino acid with dissimilar properties. This amino acid position is conserved. In addition, this alteration is predicted to be deleterious by in silico analysis. Based on the available evidence, the clinical significance of this variant remains unclear.